The following is an entry in ClinVar:

NM_006892.4(DNMT3B):c.2308A>G (p.Lys770Glu)

Gene: DNMT3B (DNA methyltransferase 3 beta; plus strand). Cytogenetic location: 20q11.21.
Variant type: single nucleotide variant.
Coding change: c.2308A>G on transcript NM_006892.4 (MANE Select); coding-DNA position 2308, A replaced by G.
Protein change: p.Lys770Glu; replaces lysine 770 with glutamic acid.
Molecular consequence: missense variant. On other transcripts: intron variant (3).
Genome position (GRCh38, 1-based): chr20:32,806,215, A>G. VCF-style: chr20-32806215-A-G. GRCh37 (hg19) VCF-style: chr20-31394021-A-G.
Other names: c.2248A>G, p.Lys750Glu (NM_175848.2); c.2284A>G, p.Lys762Glu (NM_175850.3); c.2172-1547A>G (NM_175849.2); c.2046-1547A>G (NM_001207055.2); c.1944-1547A>G (NM_001207056.2); short protein forms K750E, K762E, K770E.
Identifiers: ClinVar variation 1420713 (VCV001420713.6), dbSNP rs2146088364, ClinGen allele CA408592274.

ClinVar aggregate classification (germline): Uncertain significance (1 of 4 stars; one submission).

Conditions:
Centromeric instability of chromosomes 1,9 and 16 and immunodeficiency (ICF1). Also called: Immunodeficiency-centromeric instability-facial anomalies; IMMUNE DEFICIENCY, VARIABLE, WITH CENTROMERIC INSTABILITY OF CHROMOSOMES 1, 9, AND 16; IMMUNODEFICIENCY SYNDROME, VARIABLE; CENTROMERIC INSTABILITY, IMMUNODEFICIENCY SYNDROME. Identifiers: Orphanet 2268, MedGen C0398788, MONDO:0000133.

Submission:

Labcorp Genetics (formerly Invitae), Labcorp
Classification: Uncertain significance for Centromeric instability of chromosomes 1,9 and 16 and immunodeficiency. Last evaluated: 2021-04-08. Review status: criteria provided, single submitter. Criteria: Invitae Variant Classification Sherloc (09022015). Collection method: clinical testing. Allele origin: germline.
Comment: In summary, the available evidence is currently insufficient to determine the role of this variant in disease. Therefore, it has been classified as a Variant of Uncertain Significance. Algorithms developed to predict the effect of missense changes on protein structure and function are either unavailable or do not agree on the potential impact of this missense change (SIFT: "Deleterious"; PolyPhen-2: "Probably Damaging"; Align-GVGD: "Class C0"). This variant has been observed in individual(s) with clinical features of DNMT3B-related conditions (PMID: 21559330). This variant is not present in population databases (ExAC no frequency). This sequence change replaces lysine with glutamic acid at codon 770 of the DNMT3B protein (p.Lys770Glu). The lysine residue is highly conserved and there is a small physicochemical difference between lysine and glutamic acid.

Literature cited by the submitters: PubMed 21559330.